The following is an entry in ClinVar:

ClinVar aggregate classification (germline): Uncertain significance. Review status: criteria provided, multiple submitters, no conflicts (2 of 4 stars). 4 submissions from 4 submitters: Uncertain significance (4). Last evaluated 2025-01-19.

Conditions:
Fanconi anemia complementation group D2. Also called: FANCD2-Related Fanconi Anemia; FANCONI PANCYTOPENIA, TYPE 4; FANCONI ANEMIA, COMPLEMENTATION GROUP D. Identifiers: Orphanet 84, MedGen C3160738, MONDO:0009214, OMIM 227646.
Fanconi anemia (FA). Also called: Fanconi's anemia. Identifiers: Orphanet 84, MedGen C0015625, MeSH D005199, MONDO:0019391.

Allele frequency attached by ClinVar (database versions not stated): gnomAD 0.00001.
gnomAD v4.1: 1 of 1,613,768 alleles (0.000062%); highest among the groups gnomAD compares: African/African-American, 0.0013%; no homozygotes.

Submissions (4):

Labcorp Genetics (formerly Invitae), Labcorp
Classification: Uncertain significance for Fanconi anemia. Last evaluated: 2025-01-19. Review status: criteria provided, single submitter. Criteria: Invitae Variant Classification Sherloc (09022015). Collection method: clinical testing. Allele origin: germline.
Comment: This sequence change replaces histidine, which is basic and polar, with arginine, which is basic and polar, at codon 745 of the FANCD2 protein (p.His745Arg). This variant is not present in population databases (gnomAD no frequency). This missense change has been observed in individual(s) with hypodiploid acute lymphoblastic leukemia (PMID: 26580448). ClinVar contains an entry for this variant (Variation ID: 902057). Invitae Evidence Modeling of protein sequence and biophysical properties (such as structural, functional, and spatial information, amino acid conservation, physicochemical variation, residue mobility, and thermodynamic stability) has been performed for this missense variant. However, the output from this modeling did not meet the statistical confidence thresholds required to predict the impact of this variant on FANCD2 protein function. In summary, the available evidence is currently insufficient to determine the role of this variant in disease. Therefore, it has been classified as a Variant of Uncertain Significance.

Fulgent Genetics
Classification: Uncertain significance for Fanconi anemia complementation group D2. Last evaluated: 2024-04-10. Review status: criteria provided, single submitter. Criteria: ACMG Guidelines, 2015. Collection method: clinical testing. Allele origin: germline.

Sema4
Classification: Uncertain significance for Fanconi anemia. Last evaluated: 2021-07-15. Review status: criteria provided, single submitter. Criteria: Sema4 Curation Guidelines. Collection method: curation. Allele origin: germline.
Comment: The FANCD2 c.2234A>G (p.H745R) variant has been reported in at least one pediatric patient with hyperdiploid acute lymphoblastic leukemia (PMID 26580448). This variant was not observed in the large and broad cohorts of the Genome Aggregation Database (PMID: 32461654). This variant has been reported in ClinVar (Variation ID 902057). Functional studies have not been performed, and in silico predictions of the variant's effect on protein function are inconclusive. The overall evidence is insufficient to meet ACMG/AMP criteria for classifying it as benign or pathogenic. In summary, the clinical significance of this variant is currently uncertain.

Illumina Laboratory Services, Illumina
Classification: Uncertain significance for Fanconi anemia complementation group D2. Last evaluated: 2018-01-13. Review status: criteria provided, single submitter. Criteria: ICSL Variant Classification Criteria 13 December 2019. Collection method: clinical testing. Allele origin: germline.

Literature cited by the submitters: PubMed 26580448 (cited by Labcorp Genetics (formerly Invitae), Labcorp and Sema4).

NM_001018115.3(FANCD2):c.2234A>G (p.His745Arg)

Genes: FANCD2 (FA complementation group D2; plus strand), LOC107303338 (3p25 FANCD2 Alu-mediated recombination region; plus strand). Cytogenetic location: 3p25.3.
Variant type: single nucleotide variant.
Coding change: c.2234A>G on transcript NM_001018115.3 (MANE Select); coding-DNA position 2234, A replaced by G.
Protein change: p.His745Arg; replaces histidine 745 with arginine.
Molecular consequence: missense variant.
Genome position (GRCh38, 1-based): chr3:10,065,459, A>G. VCF-style: chr3-10065459-A-G. GRCh37 (hg19) VCF-style: chr3-10107143-A-G.
Other names: c.2234A>G, p.His745Arg (NM_001319984.2, NM_001374254.1, NM_033084.6); c.2123A>G, p.His708Arg (NM_001374253.1); c.2234A>G (NM_033084.4); short protein forms H708R, H745R.
Identifiers: ClinVar variation 902057 (VCV000902057.8), dbSNP rs2087692676, ClinGen allele CA351734773.